The following is an entry in ClinVar:

ClinVar aggregate classification (germline): Uncertain significance. Review status: criteria provided, multiple submitters, no conflicts (2 of 4 stars). 2 submissions from 2 submitters: Uncertain significance (2). Last evaluated 2022-06-21.

Conditions:
Inborn genetic diseases. Identifiers: MedGen C0950123, MeSH D030342.

Allele frequency attached by ClinVar (database versions not stated): gnomAD exomes below 0.00001 and 0.00001.
gnomAD v4.1: 16 of 1,613,488 alleles (0.00099%); highest among the groups gnomAD compares: Non-Finnish European, 0.0014%; no homozygotes.

Submissions (2):

Ambry Genetics
Classification: Uncertain significance for Inborn genetic diseases. Last evaluated: 2022-06-21. Review status: criteria provided, single submitter. Criteria: Ambry Variant Classification Scheme 2023. Collection method: clinical testing. Allele origin: germline.

Labcorp Genetics (formerly Invitae), Labcorp
Classification: Uncertain significance. Last evaluated: 2022-05-25. Review status: criteria provided, single submitter. Criteria: Invitae Variant Classification Sherloc (09022015). Collection method: clinical testing. Allele origin: germline.
Comment: This sequence change replaces leucine, which is neutral and non-polar, with isoleucine, which is neutral and non-polar, at codon 4123 of the PCLO protein (p.Leu4123Ile). This variant is present in population databases (no rsID available, gnomAD 0.0009%). This variant has not been reported in the literature in individuals affected with PCLO-related conditions. Algorithms developed to predict the effect of missense changes on protein structure and function are either unavailable or do not agree on the potential impact of this missense change (SIFT: "Deleterious"; PolyPhen-2: "Not Available"; Align-GVGD: "Class C0"). In summary, the available evidence is currently insufficient to determine the role of this variant in disease. Therefore, it has been classified as a Variant of Uncertain Significance.

NM_033026.6(PCLO):c.12367C>A (p.Leu4123Ile)

Gene: PCLO (piccolo presynaptic cytomatrix protein; minus strand). Cytogenetic location: 7q21.11.
Variant type: single nucleotide variant.
Coding change: c.12367C>A on transcript NM_033026.6 (MANE Select); coding-DNA position 12367, C replaced by A.
Protein change: p.Leu4123Ile; replaces leucine 4123 with isoleucine.
Molecular consequence: missense variant.
Genome position (GRCh38, 1-based): chr7:82,915,619, G>T on the plus strand (C>A on the coding strand, the complement: PCLO is on the minus strand). VCF-style: chr7-82915619-G-T. GRCh37 (hg19) VCF-style: chr7-82544935-G-T.
Other names: c.12367C>A, p.Leu4123Ile (NM_014510.3); c.12367C>A (NM_033026.5); short protein forms L4123I.
Identifiers: ClinVar variation 1441129 (VCV001441129.9), dbSNP rs1157203663, ClinGen allele CA367888795.